The following is an entry in ClinVar:

NM_207122.2(EXT2):c.626+2_626+5del

Gene: EXT2 (exostosin glycosyltransferase 2; plus strand). Cytogenetic location: 11p11.2.
Variant type: Deletion.
Coding change: c.626+2_626+5del on transcript NM_207122.2 (MANE Select); the canonical splice donor site of the intron after coding-DNA position 626 through 5 bases into the intron after coding-DNA position 626, 4 bases deleted (TAGG; older notation c.626+2_626+5delTAGG).
Molecular consequence: splice donor variant.
Genome position (GRCh38, 1-based): chr11:44,109,285-44,109,288, TAGG deleted; deleting any 4 consecutive bases within chr11:44,109,282-44,109,288 gives the same sequence; the c. name uses the placement nearest the transcript's 3' end. VCF-style (leftmost placement, unchanged base first): chr11-44109281-CAGGT-C. GRCh37 (hg19) VCF-style: chr11-44130831-CAGGT-C.
Other names: c.626+2_626+5del (NM_001389630.1, NM_001178083.3, NM_001389628.1); c.725+2_725+5del (NM_000401.3).
Identifiers: ClinVar variation 971926 (VCV000971926.25), dbSNP rs1954108641, ClinGen allele CA1139661918.

ClinVar aggregate classification (germline): Pathogenic. Review status: criteria provided, multiple submitters, no conflicts (2 of 4 stars). 4 submissions from 4 submitters: Pathogenic (3). 1 of the submissions does not count toward it. Last evaluated 2024-01-29.

Conditions:
Exostoses, multiple, type 2 (EXT2). Also called: EXOSTOSES, MULTIPLE, TYPE II; Hereditary Multiple Osteochondromatosis, Type II. Identifiers: Orphanet 321, MedGen C1851413, MONDO:0007586, OMIM 133701.

Submissions (4):

Greenwood Genetic Center Diagnostic Laboratories, Greenwood Genetic Center
Classification: Pathogenic for Exostoses, multiple, type 2. Last evaluated: 2024-01-29. Review status: criteria provided, single submitter. Criteria: ACMG Guidelines, 2015. Collection method: clinical testing. Allele origin: germline. Affected: yes.
Comment: PVS1, PS3, PM2

Labcorp Genetics (formerly Invitae), Labcorp
Classification: Pathogenic for Exostoses, multiple, type 2. Last evaluated: 2021-10-05. Review status: criteria provided, single submitter. Criteria: Invitae Variant Classification Sherloc (09022015). Collection method: clinical testing. Allele origin: germline.
Comment: This variant is also known as c.IVS2+2_5delTAGG. Disruption of this splice site has been observed in individual(s) with multiple osteochondromatosis (PMID: 29126381). This variant is not present in population databases (ExAC no frequency). This sequence change affects a splice site in intron 3 of the EXT2 gene. It is expected to disrupt RNA splicing. Variants that disrupt the donor or acceptor splice site typically lead to a loss of protein function (PMID: 16199547), and loss-of-function variants in EXT2 are known to be pathogenic (PMID: 10679937, 19810120). Algorithms developed to predict the effect of sequence changes on RNA splicing suggest that this variant may disrupt the consensus splice site. For these reasons, this variant has been classified as Pathogenic.

Juno Genomics, Hangzhou Juno Genomics, Inc
Classification: Pathogenic for Exostoses, multiple, type 2. Review status: criteria provided, single submitter. Criteria: ACMG Guidelines, 2015. Collection method: clinical testing. Allele origin: germline. Affected: yes.
Comment: Absent from controls (or at extremely low frequency if recessive) in Genome Aggregation Database.;Null variant in a gene where loss of function (LOF) is a known mechanism of disease.;The prevalence of the variant in affected individuals is significantly increased compared to the prevalence in controls.;Patient's phenotype or family history is highly specific for a disease with a single genetic etiology.

Clinical Laboratory Sciences Program (CLSP), King Saud bin Abdulaziz University for Health Sciences (KSAU-HS)
Classification: Pathogenic for Exostoses, multiple, type 2. Last evaluated: 2023-04-01. Review status: no assertion criteria provided. Collection method: clinical testing. Allele origin: germline. Affected: yes. Not counted in ClinVar's aggregate classification.

Literature cited by the submitters: PubMed 29126381 (cited by Labcorp Genetics (formerly Invitae), Labcorp); PubMed 16199547 (cited by Labcorp Genetics (formerly Invitae), Labcorp); PubMed 10679937 (cited by Labcorp Genetics (formerly Invitae), Labcorp); PubMed 19810120 (cited by Labcorp Genetics (formerly Invitae), Labcorp).